The following is an entry in ClinVar:

ClinVar aggregate classification (germline): Pathogenic (1 of 4 stars; one submission).

Conditions:
Ehlers-Danlos syndrome due to tenascin-X deficiency (EDSCLL1). Also called: Ehlers-Danlos syndrome, classic-like, 1; EHLERS-DANLOS SYNDROME, CLASSIC-LIKE; TNXB-Related Classical-Like Ehlers-Danlos Syndrome; EDS DUE TO TNX DEFICIENCY; TNX DEFICIENCY. Identifiers: Orphanet 230839, MedGen C1848029, MONDO:0011670, OMIM 606408.

Submission:

Myriad Genetics, Inc.
Classification: Pathogenic for Ehlers-Danlos syndrome due to tenascin-X deficiency. Last evaluated: 2024-10-10. Review status: criteria provided, single submitter. Criteria: Myriad Autosomal Dominant, Autosomal Recessive and X-Linked Classification Criteria (2023). Collection method: clinical testing. Allele origin: unknown.
Comment: NM_019105.6(TNXB):c.8920C>T(Q2974*) is expected to be pathogenic in the context of classical-like Ehlers-Danlos syndrome, TNXB-related. This variant is predicted to lead to an abnormal or absent protein product due to the creation of a premature termination codon in TNXB, a gene where loss-of-function variants are known to be pathogenic. Please note: this variant was assessed in the context of healthy population screening.

NM_001365276.2(TNXB):c.8926C>T (p.Gln2976Ter)

Gene: TNXB (tenascin XB; minus strand). Cytogenetic location: 6p21.33.
Variant type: single nucleotide variant.
Coding change: c.8926C>T on transcript NM_001365276.2 (MANE Select); coding-DNA position 8926, C replaced by T.
Protein change: p.Gln2976Ter; replaces glutamine 2976 with a stop codon.
Molecular consequence: nonsense.
Genome position (GRCh38, 1-based): chr6:32,052,859, G>A on the plus strand (C>T on the coding strand, the complement: TNXB is on the minus strand). VCF-style: chr6-32052859-G-A. GRCh37 (hg19) VCF-style: chr6-32020636-G-A.
Other names: c.9667C>T, p.Gln3223Ter (NM_001428335.1); c.8920C>T, p.Gln2974Ter (NM_019105.8); short protein forms Q2974*, Q2976*, Q3223*.
Identifiers: ClinVar variation 5013631 (VCV005013631.1).
Genomic context (GRCh38, chr6:32,052,859, plus strand): 5'-CCACCTGGGGCCGCCCGTCCCTGTCCTTGTACTGCACAGTGAAGGAGTCGAAGCGGCCCT[G>A]GGGGATGGTCCAGGAGAGGCTCAGCGAGTCAGGGGAGGATCCTGTCACTGTCAGCTCCCC-3'